The following is an entry in ClinVar:

ClinVar aggregate classification (germline): Uncertain significance (1 of 4 stars; one submission).

Conditions:
Catecholaminergic polymorphic ventricular tachycardia 1. Also called: VENTRICULAR TACHYCARDIA, STRESS-INDUCED POLYMORPHIC 1; RYR2-Related Catecholaminergic Polymorphic Ventricular Tachycardia; VENTRICULAR TACHYCARDIA, CATECHOLAMINERGIC POLYMORPHIC, 1, WITH OR WITHOUT ATRIAL DYSFUNCTION AND/OR DILATED CARDIOMYOPATHY. Identifiers: Orphanet 3286, MedGen C1631597, MONDO:0011484, OMIM 604772.

gnomAD v4.1: 1 of 1,607,078 alleles (0.000062%); highest among the groups gnomAD compares: South Asian, 0.0011%; no homozygotes.

Submission:

3billion
Classification: Uncertain significance for Catecholaminergic polymorphic ventricular tachycardia 1. Last evaluated: 2023-08-02. Review status: criteria provided, single submitter. Criteria: ACMG Guidelines, 2015. Collection method: clinical testing. Allele origin: germline. Affected: yes.
Comment: The variant is observed at an extremely low frequency in the gnomAD v2.1.1 dataset (total allele count:1). Predicted Consequence/Location: Missense changes are a common disease-causing mechanism. Therefore, this variant is classified as VUS according to the recommendation of ACMG/AMP guideline.

NM_001035.3(RYR2):c.289A>G (p.Lys97Glu)

Gene: RYR2 (ryanodine receptor 2; plus strand). Cytogenetic location: 1q43.
Variant type: single nucleotide variant.
Coding change: c.289A>G on transcript NM_001035.3 (MANE Select); coding-DNA position 289, A replaced by G.
Protein change: p.Lys97Glu; replaces lysine 97 with glutamic acid.
Molecular consequence: missense variant.
Genome position (GRCh38, 1-based): chr1:237,355,980, A>G. VCF-style: chr1-237355980-A-G. GRCh37 (hg19) VCF-style: chr1-237519280-A-G.
Other names: short protein forms K97E.
Identifiers: ClinVar variation 3776296 (VCV003776296.1).